The following is an entry in ClinVar:

ClinVar aggregate classification (germline): Uncertain significance (1 of 4 stars; one submission).

Submission:

Labcorp Genetics (formerly Invitae), Labcorp
Classification: Uncertain significance. Last evaluated: 2024-02-14. Review status: criteria provided, single submitter. Criteria: Invitae Variant Classification Sherloc (09022015). Collection method: clinical testing. Allele origin: germline.
Comment: This sequence change replaces glycine, which is neutral and non-polar, with arginine, which is basic and polar, at codon 82 of the KRT17 protein (p.Gly82Arg). This variant is not present in population databases (gnomAD no frequency). This variant has not been reported in the literature in individuals affected with KRT17-related conditions. Advanced modeling of protein sequence and biophysical properties (such as structural, functional, and spatial information, amino acid conservation, physicochemical variation, residue mobility, and thermodynamic stability) has been performed at Invitae for this missense variant, however the output from this modeling did not meet the statistical confidence thresholds required to predict the impact of this variant on KRT17 protein function. In summary, the available evidence is currently insufficient to determine the role of this variant in disease. Therefore, it has been classified as a Variant of Uncertain Significance.

NM_000422.3(KRT17):c.244G>A (p.Gly82Arg)

Gene: KRT17 (keratin 17; minus strand). Cytogenetic location: 17q21.2.
Variant type: single nucleotide variant.
Coding change: c.244G>A on transcript NM_000422.3 (MANE Select); coding-DNA position 244, G replaced by A.
Protein change: p.Gly82Arg; replaces glycine 82 with arginine.
Molecular consequence: missense variant.
Genome position (GRCh38, 1-based): chr17:41,624,266, C>T on the plus strand (G>A on the coding strand, the complement: KRT17 is on the minus strand). VCF-style: chr17-41624266-C-T. GRCh37 (hg19) VCF-style: chr17-39780518-C-T.
Other names: short protein forms G82R.
Identifiers: ClinVar variation 3003855 (VCV003003855.3), dbSNP rs2543827877, ClinGen allele CA399512694.